The following is an entry in ClinVar:

ClinVar aggregate classification (germline): Benign. Review status: criteria provided, multiple submitters, no conflicts (2 of 4 stars). 2 submissions from 2 submitters: Benign (2). Last evaluated 2016-03-29.

Allele frequency attached by ClinVar (database versions not stated): ExAC 0.61841; gnomAD exomes 0.62438 and 0.65996; 1000 Genomes Project 30x 0.65990; 1000 Genomes Project 0.66514; ESP Exome Variant Server 0.57687; gnomAD 0.59826 and 0.60524; TOPMed 0.60332.
gnomAD v4.1: 965,727 of 1,551,332 alleles (62%); highest among the groups gnomAD compares: East Asian, 91%; 304,603 homozygotes.

Submissions (2):

Laboratory for Molecular Medicine, Mass General Brigham Personalized Medicine
Classification: Benign. Last evaluated: 2016-03-29. Review status: criteria provided, single submitter. Criteria: LMM Criteria. Collection method: clinical testing. Allele origin: germline.
Comment: Variant identified in a genome or exome case(s) and assessed due to predicted null impact of the variant or pathogenic assertions in the literature or databases. Disclaimer: This variant has not undergone full assessment. The following are preliminary notes: Frequency

Breakthrough Genomics
Classification: Benign. Review status: criteria provided, single submitter. Criteria: ACMG Guidelines, 2015. Collection method: not provided. Allele origin: germline. Inheritance: Unknown mechanism. Affected: yes.

NM_001366028.2(DNAH12):c.11281G>A (p.Gly3761Ser)

Gene: DNAH12 (dynein axonemal heavy chain 12; minus strand). Cytogenetic location: 3p14.3.
Variant type: single nucleotide variant.
Coding change: c.11281G>A on transcript NM_001366028.2 (MANE Select); coding-DNA position 11281, G replaced by A.
Protein change: p.Gly3761Ser; replaces glycine 3761 with serine.
Molecular consequence: missense variant.
Genome position (GRCh38, 1-based): chr3:57,301,848, C>T on the plus strand (G>A on the coding strand, the complement: DNAH12 is on the minus strand). VCF-style: chr3-57301848-C-T. GRCh37 (hg19) VCF-style: chr3-57335876-C-T.
Other names: short protein forms G3761S.
Identifiers: ClinVar variation 402630 (VCV000402630.5), dbSNP rs4060726, ClinGen allele CA2464486.